The following is an entry in ClinVar:

NM_000051.4(ATM):c.4318A>G (p.Lys1440Glu)

Gene: ATM (ATM serine/threonine kinase; plus strand). Cytogenetic location: 11q22.3.
Variant type: single nucleotide variant.
Coding change: c.4318A>G on transcript NM_000051.4 (MANE Select); coding-DNA position 4318, A replaced by G.
Protein change: p.Lys1440Glu; replaces lysine 1440 with glutamic acid.
Molecular consequence: missense variant.
Genome position (GRCh38, 1-based): chr11:108,289,683, A>G. VCF-style: chr11-108289683-A-G. GRCh37 (hg19) VCF-style: chr11-108160410-A-G.
Other names: c.4318A>G, p.Lys1440Glu (NM_001351834.2); short protein forms K1440E.
Identifiers: ClinVar variation 2568175 (VCV002568175.2), dbSNP rs1060501551, ClinGen allele CA382531796.

ClinVar aggregate classification (germline): Uncertain significance (1 of 4 stars; one submission).

Conditions:
Hereditary cancer-predisposing syndrome. Also called: Hereditary neoplastic syndrome; Hereditary Cancer Syndrome; Neoplastic Syndromes, Hereditary; Tumor predisposition. Identifiers: Orphanet 140162, MedGen C0027672, MeSH D009386, MONDO:0015356.

gnomAD v4.1: 3 of 1,613,442 alleles (0.00019%); highest among the groups gnomAD compares: Non-Finnish European, 0.000085%; no homozygotes.

Submission:

Ambry Genetics
Classification: Uncertain significance for Hereditary cancer-predisposing syndrome. Last evaluated: 2023-03-22. Review status: criteria provided, single submitter. Criteria: Ambry Variant Classification Scheme 2023. Collection method: clinical testing. Allele origin: germline.
Comment: The p.K1440E variant (also known as c.4318A>G), located in coding exon 28 of the ATM gene, results from an A to G substitution at nucleotide position 4318. The lysine at codon 1440 is replaced by glutamic acid, an amino acid with similar properties. This amino acid position is conserved. In addition, this alteration is predicted to be tolerated by in silico analysis. Since supporting evidence is limited at this time, the clinical significance of this alteration remains unclear.